The following is an entry in ClinVar:

NM_024063.3(AFG2B):c.82C>T (p.Arg28Cys)

Gene: AFG2B (AFG2 AAA ATPase homolog B; plus strand). Cytogenetic location: 15q21.1.
Variant type: single nucleotide variant.
Coding change: c.82C>T on transcript NM_024063.3 (MANE Select); coding-DNA position 82, C replaced by T.
Protein change: p.Arg28Cys; replaces arginine 28 with cysteine.
Molecular consequence: missense variant. On other transcripts: non-coding transcript variant (5).
Genome position (GRCh38, 1-based): chr15:45,402,511, C>T. VCF-style: chr15-45402511-C-T. GRCh37 (hg19) VCF-style: chr15-45694709-C-T.
Other names: c.82C>T, p.Arg28Cys (NM_001323640.2); short protein forms R28C.
Identifiers: ClinVar variation 2581994 (VCV002581994.3), dbSNP rs367826693, ClinGen allele CA7543080.
Genomic context (GRCh38, chr15:45,402,511, plus strand): 5'-TTCCCTGAAGGGCCGCTCTTAAAGCTGCTACCCTTAGACGCTAGAGACCGGGGCACCCAG[C>T]GCTGCCGCCTGGGCCCGGCCGCCCTCCACGCCCTGGGCGCGCGCTTGGGCTCGGCAGTGA-3'
Protein context (NP_076968.2, residues 18-38): PLDARDRGTQ[Arg28Cys]CRLGPAALHA

ClinVar aggregate classification (germline): Uncertain significance. Review status: criteria provided, multiple submitters, no conflicts (2 of 4 stars). 2 submissions from 2 submitters: Uncertain significance (2). Last evaluated 2025-01-28.

Conditions:
Inborn genetic diseases. Identifiers: MedGen C0950123, MeSH D030342.

Allele frequency attached by ClinVar (database versions not stated): ExAC 0.00001; gnomAD 0.00003; TOPMed 0.00004; ESP Exome Variant Server 0.00008.
gnomAD v4.1: 6 of 1,607,014 alleles (0.00037%); highest among the groups gnomAD compares: African/African-American, 0.008%; no homozygotes.

Submissions (2):

Ambry Genetics
Classification: Uncertain significance for Inborn genetic diseases. Last evaluated: 2025-01-28. Review status: criteria provided, single submitter. Criteria: Ambry Variant Classification Scheme 2023. Collection method: clinical testing. Allele origin: germline.
Comment: The c.82C>T (p.R28C) alteration is located in exon 1 (coding exon 1) of the AFG2B gene. This alteration results from a C to T substitution at nucleotide position 82, causing the arginine (R) at amino acid position 28 to be replaced by a cysteine (C). Based on data from gnomAD, the T allele has an overall frequency of 0.001% (2/264850) total alleles studied. The highest observed frequency was 0.009% (2/22830) of African alleles. This amino acid position is highly conserved in available vertebrate species. This alteration is predicted to be deleterious by in silico analysis. Based on insufficient or conflicting evidence, the clinical significance of this alteration remains unclear.

GeneDx
Classification: Uncertain significance. Last evaluated: 2023-03-28. Review status: criteria provided, single submitter. Criteria: GeneDx Variant Classification Process June 2021. Collection method: clinical testing. Allele origin: germline. Affected: yes.
Comment: In silico analysis supports that this missense variant has a deleterious effect on protein structure/function; Has not been previously published as pathogenic or benign to our knowledge